The following is an entry in ClinVar:

NM_000136.3(FANCC):c.1560C>T (p.His520=)

Genes: AOPEP (aminopeptidase O (putative); plus strand), FANCC (FA complementation group C; minus strand). Cytogenetic location: 9q22.32.
Variant type: single nucleotide variant.
Coding change: c.1560C>T on transcript NM_000136.3 (MANE Select); coding-DNA position 1560, C replaced by T.
Protein change: p.His520=; no amino-acid change (histidine 520 retained).
Molecular consequence: synonymous variant.
Genome position (GRCh38, 1-based): chr9:95,101,824, G>A on the plus strand (C>T on the coding strand, the complement: FANCC is on the minus strand). VCF-style: chr9-95101824-G-A. GRCh37 (hg19) VCF-style: chr9-97864106-G-A.
Other names: c.1560C>T, p.His520= (NM_001243743.2).
Identifiers: ClinVar variation 383837 (VCV000383837.44), dbSNP rs150020474, ClinGen allele CA5137298.

ClinVar aggregate classification (germline): Likely benign. Review status: criteria provided, multiple submitters, no conflicts (2 of 4 stars). 7 submissions from 7 submitters: Likely benign (6). 1 of the submissions does not count toward it. Last evaluated 2025-11-24.

Conditions:
Hereditary cancer-predisposing syndrome. Also called: Neoplastic Syndromes, Hereditary; Hereditary neoplastic syndrome; Tumor predisposition; Hereditary Cancer Syndrome. Identifiers: Orphanet 140162, MedGen C0027672, MeSH D009386, MONDO:0015356.
Fanconi anemia complementation group C (FANCC). Also called: FANCONI PANCYTOPENIA, TYPE 3; FACC; Fanconi anemia, group C; FANCC-Related Fanconi Anemia. Identifiers: Orphanet 84, MedGen C3468041, MONDO:0009213, OMIM 227645.
Fanconi anemia (FA). Also called: Fanconi's anemia. Identifiers: Orphanet 84, MedGen C0015625, MeSH D005199, MONDO:0019391.

Allele frequency attached by ClinVar (database versions not stated): ExAC 0.00002; gnomAD exomes 0.00003 and 0.00004; gnomAD 0.00005; TOPMed 0.00013; ESP Exome Variant Server 0.00015.
gnomAD v4.1: 67 of 1,613,908 alleles (0.0042%); highest among the groups gnomAD compares: Middle Eastern, 0.033%; no homozygotes.

Submissions (7):

Labcorp Genetics (formerly Invitae), Labcorp
Classification: Likely benign for Fanconi anemia. Last evaluated: 2025-11-24. Review status: criteria provided, single submitter. Criteria: Invitae Variant Classification Sherloc (09022015). Collection method: clinical testing. Allele origin: germline.

KCCC/NGS Laboratory, Kuwait Cancer Control Center
Classification: Likely benign for Fanconi anemia complementation group C. Last evaluated: 2023-07-07. Review status: criteria provided, single submitter. Criteria: ACMG Guidelines, 2015. Collection method: clinical testing. Allele origin: germline. Affected: yes.

CeGaT Center for Human Genetics Tuebingen
Classification: Likely benign. Last evaluated: 2023-01-01. Review status: criteria provided, single submitter. Criteria: CeGaT Center For Human Genetics Tuebingen Variant Classification Criteria Version 2. Collection method: clinical testing. Allele origin: germline. Affected: yes. Observed: 1 variant allele.
Comment: FANCC: BP4, BP7

GeneDx
Classification: Likely benign. Last evaluated: 2020-09-29. Review status: criteria provided, single submitter. Criteria: GeneDx Variant Classification Process June 2021. Collection method: clinical testing. Allele origin: germline. Affected: yes.

Women's Health and Genetics/Laboratory Corporation of America, LabCorp
Classification: Likely benign. Last evaluated: 2019-08-28. Review status: criteria provided, single submitter. Criteria: LabCorp Variant Classification Summary - May 2015. Collection method: clinical testing. Allele origin: germline.

Ambry Genetics
Classification: Likely benign for Hereditary cancer-predisposing syndrome. Last evaluated: 2017-02-22. Review status: criteria provided, single submitter. Criteria: Ambry Variant Classification Scheme 2023. Collection method: clinical testing. Allele origin: germline.

Natera, Inc.
Classification: Uncertain significance for Fanconi anemia, group C. Last evaluated: 2020-01-17. Review status: no assertion criteria provided. Collection method: clinical testing. Allele origin: germline. Not counted in ClinVar's aggregate classification.